The following is an entry in ClinVar:

ClinVar aggregate classification (germline): Conflicting classifications of pathogenicity. Review status: criteria provided, conflicting classifications (1 of 4 stars). 5 submissions from 5 submitters: Uncertain significance (3); Likely benign (1). 1 of the submissions does not count toward it. Last evaluated 2024-01-22.

Conditions:
Congenital myasthenic syndrome 17. Identifiers: Orphanet 590, MedGen C4225377, MONDO:0014578, OMIM 616304.
Sclerosteosis 2 (SOST2). Identifiers: Orphanet 3152, MedGen C3280402, MONDO:0013679, OMIM 614305.
Cenani-Lenz syndactyly syndrome. Also called: CENANI SYNDACTYLISM; SYNDACTYLY, TYPE VII. Identifiers: Orphanet 3258, MedGen C1859309, MONDO:0008931, OMIM 212780.
Inborn genetic diseases. Identifiers: MedGen C0950123, MeSH D030342.
LRP4-related disorder. Also called: LRP4-related condition.

Allele frequency attached by ClinVar (database versions not stated): ExAC 0.00005; gnomAD 0.00005; gnomAD exomes 0.00005 and 0.00038; ESP Exome Variant Server 0.00008; TOPMed 0.00009.
gnomAD v4.1: 540 of 1,614,078 alleles (0.033%); highest among the groups gnomAD compares: Non-Finnish European, 0.045%; 1 homozygote.

Submissions (5):

Labcorp Genetics (formerly Invitae), Labcorp
Classification: Uncertain significance for Cenani-Lenz syndactyly syndrome; Sclerosteosis 2; Congenital myasthenic syndrome 17. Last evaluated: 2024-01-22. Review status: criteria provided, single submitter. Criteria: Invitae Variant Classification Sherloc (09022015). Collection method: clinical testing. Allele origin: germline.
Comment: This sequence change replaces serine, which is neutral and polar, with leucine, which is neutral and non-polar, at codon 1633 of the LRP4 protein (p.Ser1633Leu). This variant is present in population databases (rs146362081, gnomAD 0.008%). This variant has not been reported in the literature in individuals affected with LRP4-related conditions. ClinVar contains an entry for this variant (Variation ID: 450674). Advanced modeling of protein sequence and biophysical properties (such as structural, functional, and spatial information, amino acid conservation, physicochemical variation, residue mobility, and thermodynamic stability) performed at Invitae indicates that this missense variant is not expected to disrupt LRP4 protein function with a negative predictive value of 80%. In summary, the available evidence is currently insufficient to determine the role of this variant in disease. Therefore, it has been classified as a Variant of Uncertain Significance.

Ambry Genetics
Classification: Likely benign for Inborn genetic diseases. Last evaluated: 2021-11-24. Review status: criteria provided, single submitter. Criteria: Ambry Variant Classification Scheme 2023. Collection method: clinical testing. Allele origin: germline.

Illumina Laboratory Services, Illumina
Classification: Uncertain significance for Cenani-Lenz syndactyly syndrome. Last evaluated: 2018-01-12. Review status: criteria provided, single submitter. Criteria: ICSL Variant Classification Criteria 13 December 2019. Collection method: clinical testing. Allele origin: germline.

GeneDx
Classification: Uncertain significance. Last evaluated: 2017-07-25. Review status: criteria provided, single submitter. Criteria: GeneDx Variant Classification (06012015). Collection method: clinical testing. Allele origin: germline. Affected: yes.
Comment: The S1633L variant in the LRP4 gene has not been reported previously as a pathogenic variant, nor as a benign variant, to our knowledge. The S1633L variant is observed in 6/66732 (0.01%) alleles from individuals of non-Finnish European background in the ExAC dataset (Lek et al., 2016). The S1633L variant is a non-conservative amino acid substitution, which is likely to impact secondary protein structure as these residues differ in polarity, charge, size and/or other properties. However, this substitution occurs at a position that is not conserved across species, and in silico analysis is inconsistent in its predictions as to whether or not the variant is damaging to the protein structure/function. We interpret S1633L as a variant of uncertain significance.

PreventionGenetics, part of Exact Sciences
Classification: Uncertain significance for LRP4-related condition. Last evaluated: 2024-07-18. Review status: no assertion criteria provided. Collection method: clinical testing. Allele origin: germline. Not counted in ClinVar's aggregate classification.
Comment: The LRP4 c.4898C>T variant is predicted to result in the amino acid substitution p.Ser1633Leu. To our knowledge, this variant has not been reported in the literature. This variant is reported in 0.011% of alleles in individuals of European (Non-Finnish) descent in gnomAD. At this time, the clinical significance of this variant is uncertain due to the absence of conclusive functional and genetic evidence.

NM_002334.4(LRP4):c.4898C>T (p.Ser1633Leu)

Genes: LRP4 (LDL receptor related protein 4; minus strand), LRP4-AS1 (LRP4 antisense RNA 1; plus strand). Cytogenetic location: 11p11.2.
Variant type: single nucleotide variant.
Coding change: c.4898C>T on transcript NM_002334.4 (MANE Select); coding-DNA position 4898, C replaced by T.
Protein change: p.Ser1633Leu; replaces serine 1633 with leucine.
Molecular consequence: missense variant.
Genome position (GRCh38, 1-based): chr11:46,868,653, G>A on the plus strand (C>T on the coding strand, the complement: LRP4 is on the minus strand). VCF-style: chr11-46868653-G-A. GRCh37 (hg19) VCF-style: chr11-46890204-G-A.
Other names: short protein forms S1633L.
Identifiers: ClinVar variation 450674 (VCV000450674.15), dbSNP rs146362081, ClinGen allele CA5969212.
Genomic context (GRCh38, chr11:46,868,653, plus strand): 5'-AACTCACCAAGGGAGCAGGGCCGGCTATCAGGTTCGTCAGGACAGGCACATACGAAGTCC[G>A]AGGCTCTGGCAAAGCAGAGGTGGGTGCAGCCACCATTGTTCACACCACAGGCATTGGTCC-3'
Protein context (NP_002325.2, residues 1623-1643): GCTHLCFARA[Ser1633Leu]DFVCACPDEP